The following is an entry in ClinVar:

NM_001267550.2(TTN):c.13228G>A (p.Glu4410Lys)

Gene: TTN (titin; minus strand). Cytogenetic location: 2q31.2.
Variant type: single nucleotide variant.
Coding change: c.13228G>A on transcript NM_001267550.2 (MANE Select); coding-DNA position 13228, G replaced by A.
Protein change: p.Glu4410Lys; replaces glutamic acid 4410 with lysine.
Molecular consequence: missense variant. On other transcripts: intron variant (1).
Genome position (GRCh38, 1-based): chr2:178,740,005, C>T on the plus strand (G>A on the coding strand, the complement: TTN is on the minus strand). VCF-style: chr2-178740005-C-T. GRCh37 (hg19) VCF-style: chr2-179604732-C-T.
Other names: c.12277G>A, p.Glu4093Lys (NM_001256850.1); c.12139G>A, p.Glu4047Lys (NM_003319.4); c.12514G>A, p.Glu4172Lys (NM_133432.3); c.12715G>A, p.Glu4239Lys (NM_133437.4); c.10361-1645G>A (NM_133378.4); short protein forms E4093K, E4410K, E4172K, E4239K, E4047K.
Identifiers: ClinVar variation 497028 (VCV000497028.31), dbSNP rs374312091, ClinGen allele CA2002608.

ClinVar aggregate classification (germline): Conflicting classifications of pathogenicity. Review status: criteria provided, conflicting classifications (1 of 4 stars). 5 submissions from 5 submitters: Uncertain significance (4); Likely benign (1). Last evaluated 2025-07-24.

Conditions:
Cardiovascular phenotype. Identifiers: MedGen CN230736.

Allele frequency attached by ClinVar (database versions not stated): gnomAD 0.00003; gnomAD exomes 0.00003; TOPMed 0.00003; ExAC 0.00006; ESP Exome Variant Server 0.00017.
gnomAD v4.1: 39 of 1,613,738 alleles (0.0024%); highest among the groups gnomAD compares: Middle Eastern, 0.049%; no homozygotes.

Submissions (5):

Molecular Diagnostic Laboratory for Inherited Cardiovascular Disease, Montreal Heart Institute
Classification: Likely benign. Last evaluated: 2025-07-24. Review status: criteria provided, single submitter. Criteria: ACMG Guidelines, 2015. Collection method: clinical testing. Allele origin: germline. Affected: no.
Comment: BP1

CeGaT Center for Human Genetics Tuebingen
Classification: Uncertain significance. Last evaluated: 2025-04-01. Review status: criteria provided, single submitter. Criteria: CeGaT Center For Human Genetics Tuebingen Variant Classification Criteria Version 2. Collection method: clinical testing. Allele origin: germline. Affected: yes. Observed: 2 variant alleles.
Comment: TTN: PM2, BP4

ARUP Laboratories, Molecular Genetics and Genomics, ARUP Laboratories
Classification: Uncertain significance. Last evaluated: 2024-11-14. Review status: criteria provided, single submitter. Criteria: ARUP Molecular Germline Variant Investigation Process 2024. Collection method: clinical testing. Allele origin: germline.
Comment: The TTN c.13228G>A; p.Glu4410Lys variant (rs374312091; ClinVar Variation ID: 497028) is rare in the general population (<0.2% allele frequency in the Genome Aggregation Database) and has been reported in the medical literature in one individual affected with dilated cardiomyopathy (Mazzarotto 2020) and in one individual with a congenital myopathy who carried an additional disease causing TTN variant, although variant phase is unknown (Natera-de Benito 2021). The clinical relevance of rare missense variants in this gene, which are identified on average once per individual sequenced in affected populations (Herman 2012), is not well understood. Yet, evidence suggests that the vast majority of such missense variants do not contribute to the clinical outcome of DCM (Begay 2015). Thus, the clinical significance of the p.Glu4410Lys variant cannot be determined with certainty. References: Begay RL et al. Role of Titin Missense Variants in Dilated Cardiomyopathy. J Am Heart Assoc. 2015 Nov 13;4(11). PMID: 26567375. Herman DS et al. Truncations of titin causing dilated cardiomyopathy. N Engl J Med. 2012 Feb 16;366(7):619-28. PMID: 22335739. Linke WA and Hamdani N. Gigantic business: titin properties and function through thick and thin. Circ Res 2014; 114(6): 1052-1068. PMID: 24625729. Mazzarotto F et al. Reevaluating the Genetic Contribution of Monogenic Dilated Cardiomyopathy. Circulation. 2020 Feb 4;141(5):387-398. PMID: 31983221. Natera-de Benito D et al. The Phenotype and Genotype of Congenital Myopathies Based on a Large Pediatric Cohort. Pediatr Neurol. 2021 Feb;115:50-65. PMID: 33333461.

Ambry Genetics
Classification: Uncertain significance for Cardiovascular phenotype. Last evaluated: 2020-08-12. Review status: criteria provided, single submitter. Criteria: Ambry Variant Classification Scheme 2023. Collection method: clinical testing. Allele origin: germline.
Comment: The p.E4047K variant (also known as c.12139G>A), located in coding exon 44 of the TTN gene, results from a G to A substitution at nucleotide position 12139. The glutamic acid at codon 4047 is replaced by lysine, an amino acid with similar properties. This amino acid position is well conserved in available vertebrate species. In addition, this alteration is predicted to be tolerated by in silico analysis. Since supporting evidence is limited at this time, the clinical significance of this alteration remains unclear.

Eurofins Ntd Llc (ga)
Classification: Uncertain significance. Last evaluated: 2017-04-19. Review status: criteria provided, single submitter. Criteria: EGL Classification Definitions 2015. Collection method: clinical testing. Allele origin: germline. Observed: 3 variant alleles, 3 heterozygotes.